The following is an entry in ClinVar:

ClinVar aggregate classification (germline): Likely benign (1 of 4 stars; one submission).

Submission:

GeneDx
Classification: Likely benign. Last evaluated: 2017-05-02. Review status: criteria provided, single submitter. Criteria: GeneDx Variant Classification (06012015). Collection method: clinical testing. Allele origin: germline. Affected: yes.
Comment: This variant is considered likely benign or benign based on one or more of the following criteria: it is a conservative change, it occurs at a poorly conserved position in the protein, it is predicted to be benign by multiple in silico algorithms, and/or has population frequency not consistent with disease.

NM_001330574.2(ZNF711):c.80-11_80-8del

Gene: ZNF711 (zinc finger protein 711; plus strand). Cytogenetic location: Xq21.1.
Variant type: Microsatellite.
Coding change: c.80-11_80-8del on transcript NM_001330574.2 (MANE Select); 11 bases into the intron before coding-DNA position 80 through 8 bases into the intron before coding-DNA position 80, 4 bases deleted (TTGT; older notation c.80-11_80-8delTTGT).
Molecular consequence: intron variant.
Genome position (GRCh38, 1-based): chrX:85,255,248-85,255,251, TTGT deleted; deleting any 4 consecutive bases within chrX:85,255,244-85,255,251 gives the same sequence; the c. name uses the placement nearest the transcript's 3' end. VCF-style (leftmost placement, unchanged base first): chrX-85255243-ATTGT-A. GRCh37 (hg19) VCF-style: chrX-84510249-ATTGT-A.
Other names: c.80-11_80-8del (NM_001375433.1, NM_001375435.1, NM_001375436.1 and 5 more transcripts); c.80-11_80-8delTTGT (NM_021998.4).
Identifiers: ClinVar variation 509108 (VCV000509108.1), ClinGen allele CA658799822.
Genomic context (GRCh38, chrX:85,255,243, plus strand): 5'-CATTTGATTTATTAAATACAGTACTCTAAATTAATAAAATAACTTTACCTTTTTTGGATA[ATTGT>A]TTGTATTATAGTGGCTGGAATGGCTGGTACTGCACATATCGATGGAGACCATATTGTTGT-3'